The following is an entry in ClinVar:

ClinVar aggregate classification (germline): Uncertain significance (1 of 4 stars; one submission).

Submission:

Mayo Clinic Laboratories, Mayo Clinic
Classification: Uncertain significance. Last evaluated: 2025-09-18. Review status: criteria provided, single submitter. Criteria: ACMG Guidelines, 2015. Collection method: clinical testing. Allele origin: germline. Observed: 1 variant allele.
Comment: PM2_supporting

NM_001206927.2(DNAH8):c.6834T>G (p.Asp2278Glu)

Gene: DNAH8 (dynein axonemal heavy chain 8; plus strand). Cytogenetic location: 6p21.2.
Variant type: single nucleotide variant.
Coding change: c.6834T>G on transcript NM_001206927.2 (MANE Select); coding-DNA position 6834, T replaced by G.
Protein change: p.Asp2278Glu; replaces aspartic acid 2278 with glutamic acid.
Molecular consequence: missense variant.
Genome position (GRCh38, 1-based): chr6:38,870,406, T>G. VCF-style: chr6-38870406-T-G. GRCh37 (hg19) VCF-style: chr6-38838182-T-G.
Other names: p.Asp2278Glu; c.6183T>G, p.Asp2061Glu (NM_001371.4); short protein forms D2061E, D2278E.
Identifiers: ClinVar variation 4541160 (VCV004541160.1).